The following is an entry in ClinVar:

NM_001378969.1(KCND3):c.1586C>T (p.Pro529Leu)

Gene: KCND3 (potassium voltage-gated channel subfamily D member 3; minus strand). Cytogenetic location: 1p13.2.
Variant type: single nucleotide variant.
Coding change: c.1586C>T on transcript NM_001378969.1 (MANE Select); coding-DNA position 1586, C replaced by T.
Protein change: p.Pro529Leu; replaces proline 529 with leucine.
Molecular consequence: missense variant.
Genome position (GRCh38, 1-based): chr1:111,777,206, G>A on the plus strand (C>T on the coding strand, the complement: KCND3 is on the minus strand). VCF-style: chr1-111777206-G-A. GRCh37 (hg19) VCF-style: chr1-112319828-G-A.
Other names: c.1529C>T, p.Pro510Leu (NM_001378970.1, NM_172198.3); c.1586C>T, p.Pro529Leu (NM_004980.5); short protein forms P510L, P529L.
Identifiers: ClinVar variation 2506770 (VCV002506770.1), dbSNP rs2524995175, ClinGen allele CA341657260.

ClinVar aggregate classification (germline): Uncertain significance (1 of 4 stars; one submission).

Submission:

GeneDx
Classification: Uncertain significance. Last evaluated: 2023-06-22. Review status: criteria provided, single submitter. Criteria: GeneDx Variant Classification Process June 2021. Collection method: clinical testing. Allele origin: germline. Affected: yes.
Comment: Not observed at significant frequency in large population cohorts (gnomAD); In silico analysis supports that this missense variant does not alter protein structure/function; Has not been previously published as pathogenic or benign to our knowledge